The following is an entry in ClinVar:

ClinVar aggregate classification (germline): Pathogenic (1 of 4 stars; one submission).

Conditions:
Neurofibromatosis, type 1 (NF1). Also called: Peripheral type neurofibromatosis; VON RECKLINGHAUSEN DISEASE; NEUROFIBROMATOSIS, TYPE I, SOMATIC; Neurofibromatosis, type I. Identifiers: Orphanet 636, MedGen C0027831, MONDO:0018975, OMIM 162200. Disease mechanism: loss of function.

Submission:

Labcorp Genetics (formerly Invitae), Labcorp
Classification: Pathogenic for Neurofibromatosis, type 1. Last evaluated: 2024-06-25. Review status: criteria provided, single submitter. Criteria: Invitae Variant Classification Sherloc (09022015). Collection method: clinical testing. Allele origin: germline.
Comment: This sequence change creates a premature translational stop signal (p.Leu234Profs*8) in the NF1 gene. It is expected to result in an absent or disrupted protein product. Loss-of-function variants in NF1 are known to be pathogenic (PMID: 10712197, 23913538). This variant is not present in population databases (gnomAD no frequency). This variant has not been reported in the literature in individuals affected with NF1-related conditions. For these reasons, this variant has been classified as Pathogenic.

Literature cited by the submitters: PubMed 10712197; PubMed 23913538.

NM_001042492.3(NF1):c.700dup (p.Leu234fs)

Gene: NF1 (neurofibromin 1; plus strand). Cytogenetic location: 17q11.2.
Variant type: Duplication.
Coding change: c.700dup on transcript NM_001042492.3 (MANE Select); coding-DNA position 700, one base duplicated (C; older notation c.700dupC).
Protein change: p.Leu234fs; shifts the reading frame from leucine 234.
Molecular consequence: frameshift variant.
Genome position (GRCh38, 1-based): chr17:31,181,755, C duplicated. VCF-style (leftmost placement, unchanged base first): chr17-31181754-A-AC. GRCh37 (hg19) VCF-style: chr17-29508772-A-AC.
Other names: c.700dup, p.Leu234Profs (NM_000267.4); c.700dup, p.Leu234fs (NM_001128147.3); short protein forms L234fs.
Identifiers: ClinVar variation 3657707 (VCV003657707.2).